The following is an entry in ClinVar:

NM_003611.3(OFD1):c.2929-28A>G

Gene: OFD1 (OFD1 centriole and centriolar satellite protein; plus strand). Cytogenetic location: Xp22.2.
Variant type: single nucleotide variant.
Coding change: c.2929-28A>G on transcript NM_003611.3 (MANE Select); 28 bases into the intron before coding-DNA position 2929, A replaced by G.
Molecular consequence: intron variant.
Genome position (GRCh38, 1-based): chrX:13,768,690, A>G. VCF-style: chrX-13768690-A-G. GRCh37 (hg19) VCF-style: chrX-13786809-A-G.
Other names: c.2509-28A>G (NM_001330210.2); c.2809-28A>G (NM_001330209.2).
Identifiers: ClinVar variation 4072250 (VCV004072250.1).

ClinVar aggregate classification (germline): Uncertain significance (1 of 4 stars; one submission).

Conditions:
Retinitis pigmentosa 23 (RP23). Identifiers: Orphanet 791, MedGen C1419610, MONDO:0010320, OMIM 300424.

Submission:

3billion
Classification: Uncertain significance for Retinitis pigmentosa 23. Last evaluated: 2024-07-24. Review status: criteria provided, single submitter. Criteria: ACMG Guidelines, 2015. Collection method: clinical testing. Allele origin: germline. Affected: yes.
Comment: The variant is observed at an extremely low frequency in the gnomAD v4.0.0 dataset (total allele frequency: <0.001%). Predicted Consequence/Location: Intron variant In silico tools predict the variant to alter splicing and produce an abnormal transcript [SpliceAI: 0.89 (>=0.2, moderate evidence for spliceogenicity)]. Therefore, this variant is classified as VUS according to the recommendation of ACMG/AMP guideline.